The following is an entry in ClinVar:

NM_001267550.2(TTN):c.90495G>A (p.Trp30165Ter)

Genes: TTN (titin; minus strand), TTN-AS1 (TTN antisense RNA 1; plus strand). Cytogenetic location: 2q31.2.
Variant type: single nucleotide variant.
Coding change: c.90495G>A on transcript NM_001267550.2 (MANE Select); coding-DNA position 90495, G replaced by A.
Protein change: p.Trp30165Ter; replaces tryptophan 30165 with a stop codon.
Molecular consequence: nonsense.
Genome position (GRCh38, 1-based): chr2:178,552,405, C>T on the plus strand (G>A on the coding strand, the complement: TTN is on the minus strand). VCF-style: chr2-178552405-C-T. GRCh37 (hg19) VCF-style: chr2-179417132-C-T.
Other names: c.63300G>A, p.Trp21100Ter (NM_003319.4); c.82791G>A, p.Trp27597Ter (NM_133378.4); c.63675G>A, p.Trp21225Ter (NM_133432.3); c.63876G>A, p.Trp21292Ter (NM_133437.4); c.85572G>A, p.Trp28524Ter (NM_001256850.1); short protein forms W21100*, W21225*, W21292*, W27597*, W28524*, W30165*.
Identifiers: ClinVar variation 2572995 (VCV002572995.6), dbSNP rs761010373, ClinGen allele CA349510299.
Genomic context (GRCh38, chr2:178,552,405, plus strand): 5'-GTTTTCAGTTTTACTGAAGCGAACAAATTCACTTTCTTTCAGTGGCAAGCCATCTTTCAG[C>T]CAACTGATGGATGGTTTGGGTTTTCCCTTATAAGGTAATTCAAGGTGCACATTGTGCCCA-3'

ClinVar aggregate classification (germline): Likely pathogenic. Review status: criteria provided, multiple submitters, no conflicts (2 of 4 stars). 4 submissions from 4 submitters: Likely pathogenic (4). Last evaluated 2025-07-19.

Conditions:
TTN-related disorder. Also called: TTN-related condition; TTN-related disease; TTN-related disorders.
Dilated cardiomyopathy 1G (CMD1G). Identifiers: Orphanet 154, MedGen C1858763, MONDO:0011400, OMIM 604145.
Autosomal recessive limb-girdle muscular dystrophy type 2J (LGMDR10). Also called: Limb-girdle muscular dystrophy, type 2J; MUSCULAR DYSTROPHY, LIMB-GIRDLE, AUTOSOMAL RECESSIVE 10. Identifiers: Orphanet 140922, MedGen C1837342, MONDO:0012127, OMIM 608807.

Submissions (4):

Labcorp Genetics (formerly Invitae), Labcorp
Classification: Likely pathogenic for Dilated cardiomyopathy 1G; Autosomal recessive limb-girdle muscular dystrophy type 2J. Last evaluated: 2025-07-19. Review status: criteria provided, single submitter. Criteria: Invitae Variant Classification Sherloc (09022015). Collection method: clinical testing. Allele origin: germline.
Comment: This sequence change creates a premature translational stop signal (p.Trp30165*) in the TTN gene. While this is not anticipated to result in nonsense mediated decay, it is expected to create a truncated TTN protein. This variant is not present in population databases (gnomAD no frequency). This variant has not been reported in the literature in individuals affected with TTN-related conditions. ClinVar contains an entry for this variant (Variation ID: 2572995). This variant is located in the A band of TTN (PMID: 25589632). Truncating variants in this region are significantly overrepresented in patients affected with dilated cardiomyopathy (PMID: 25589632). Truncating variants in this region have also been reported in individuals affected with autosomal recessive centronuclear myopathy (PMID: 23975875). In summary, the currently available evidence indicates that the variant is pathogenic, but additional data are needed to prove that conclusively. Therefore, this variant has been classified as Likely Pathogenic.

Variantyx, Inc.
Classification: Likely pathogenic for Dilated cardiomyopathy 1G. Last evaluated: 2025-03-25. Review status: criteria provided, single submitter. Criteria: Variantyx Assertion Criteria 2022. Collection method: clinical testing. Allele origin: germline. Inheritance: Autosomal dominant inheritance. Affected: yes.
Comment: This is a nonsense variant in the TTN gene (OMIM: 188840). Pathogenic variants in this gene have been associated with autosomal dominant dilated cardiomyopathy 1G. This variant introduces a premature termination codon in exon 335 out of 363 and is expected to result in loss of function, which is a known disease mechanism for TTN in this disorder (PMID: 38938651 ) (PVS1). This variant resides in the A-band region of titin, and is absent from control populations (PM2). Based on the current evidence, this variant is classified as likely pathogenic for autosomal dominant dilated cardiomyopathy 1G.

Illumina Laboratory Services, Illumina
Classification: Likely pathogenic for Dilated cardiomyopathy 1G. Last evaluated: 2023-04-24. Review status: criteria provided, single submitter. Criteria: ICSLVariantClassificationCriteria RUGD 01 April 2020. Collection method: clinical testing. Allele origin: unknown.
Comment: The TTN c.90495G>A (p.Trp30165Ter) nonsense variant results in the loss of normal protein function through either protein truncation or nonsense-mediated mRNA decay. To our knowledge, this variant has not been reported in the peer-reviewed literature. This variant is located in exon 335 of the meta transcript of titin within the A-band, which is highly expressed in cardiac tissue (PMID: 25589632). In a meta-analysis of TTN truncating variants in DCM patients and controls, variants in this region were associated with a significantly increased risk of developing DCM (odds ratio 40.6-61.1) (PMID: 27869827). This variant is not observed in version 2.1.1 or version 3.1.2 of the Genome Aggregation Database. Based on the available evidence, the c.90495G>A (p.Trp30165Ter) variant is classified as likely pathogenic for dilated cardiomyopathy.

Blueprint Genetics
Classification: Likely pathogenic for TTN-related disorders. Last evaluated: 2021-05-11. Review status: criteria provided, single submitter. Criteria: ACMG Guidelines, 2015. Collection method: clinical testing. Allele origin: germline. Affected: yes. Observed: 1 variant allele.

Literature cited by the submitters: PubMed 25589632 (cited by Labcorp Genetics (formerly Invitae), Labcorp and Illumina Laboratory Services, Illumina); PubMed 23975875 (cited by Labcorp Genetics (formerly Invitae), Labcorp); PubMed 38938651 (cited by Variantyx, Inc.); PubMed 27869827 (cited by Illumina Laboratory Services, Illumina).